The following is an entry in ClinVar:

NM_001363711.2(DUOX2):c.1321T>C (p.Tyr441His)

Gene: DUOX2 (dual oxidase 2; minus strand). Cytogenetic location: 15q21.1.
Variant type: single nucleotide variant.
Coding change: c.1321T>C on transcript NM_001363711.2 (MANE Select); coding-DNA position 1321, T replaced by C.
Protein change: p.Tyr441His; replaces tyrosine 441 with histidine.
Molecular consequence: missense variant.
Genome position (GRCh38, 1-based): chr15:45,108,866, A>G on the plus strand (T>C on the coding strand, the complement: DUOX2 is on the minus strand). VCF-style: chr15-45108866-A-G. GRCh37 (hg19) VCF-style: chr15-45401064-A-G.
Other names: c.1321T>C, p.Tyr441His (NM_014080.5); short protein forms Y441H.
Identifiers: ClinVar variation 2770846 (VCV002770846.3), dbSNP rs2504775402, ClinGen allele CA392276885.

ClinVar aggregate classification (germline): Uncertain significance (1 of 4 stars; one submission).

Submission:

Labcorp Genetics (formerly Invitae), Labcorp
Classification: Uncertain significance. Last evaluated: 2023-10-22. Review status: criteria provided, single submitter. Criteria: Invitae Variant Classification Sherloc (09022015). Collection method: clinical testing. Allele origin: germline.
Comment: This sequence change replaces tyrosine, which is neutral and polar, with histidine, which is basic and polar, at codon 441 of the DUOX2 protein (p.Tyr441His). This variant is not present in population databases (gnomAD no frequency). This variant has not been reported in the literature in individuals affected with DUOX2-related conditions. Advanced modeling of protein sequence and biophysical properties (such as structural, functional, and spatial information, amino acid conservation, physicochemical variation, residue mobility, and thermodynamic stability) performed at Invitae indicates that this missense variant is expected to disrupt DUOX2 protein function. In summary, the available evidence is currently insufficient to determine the role of this variant in disease. Therefore, it has been classified as a Variant of Uncertain Significance.